The following is an entry in ClinVar:

ClinVar aggregate classification (germline): Uncertain significance (1 of 4 stars; one submission).

Conditions:
DK1-congenital disorder of glycosylation. Also called: CDG Im; DK1 DEFICIENCY; DOLICHOL KINASE DEFICIENCY; DK1-CDG; CONGENITAL DISORDER OF GLYCOSYLATION, TYPE Im; Carbohydrate deficient glycoprotein syndrome type 1m. Identifiers: Orphanet 91131, MedGen C1835849, MONDO:0012556, OMIM 610768.

Submission:

Labcorp Genetics (formerly Invitae), Labcorp
Classification: Uncertain significance for DK1-congenital disorder of glycosylation. Last evaluated: 2022-03-09. Review status: criteria provided, single submitter. Criteria: Invitae Variant Classification Sherloc (09022015). Collection method: clinical testing. Allele origin: germline.
Comment: In summary, the available evidence is currently insufficient to determine the role of this variant in disease. Therefore, it has been classified as a Variant of Uncertain Significance. Algorithms developed to predict the effect of missense changes on protein structure and function are either unavailable or do not agree on the potential impact of this missense change (SIFT: "Tolerated"; PolyPhen-2: "Probably Damaging"; Align-GVGD: "Class C0"). ClinVar contains an entry for this variant (Variation ID: 1047602). This variant has not been reported in the literature in individuals affected with DOLK-related conditions. This variant is not present in population databases (gnomAD no frequency). This sequence change replaces proline, which is neutral and non-polar, with arginine, which is basic and polar, at codon 191 of the DOLK protein (p.Pro191Arg).

NM_014908.4(DOLK):c.572C>G (p.Pro191Arg)

Gene: DOLK (dolichol kinase; minus strand). Cytogenetic location: 9q34.11.
Variant type: single nucleotide variant.
Coding change: c.572C>G on transcript NM_014908.4 (MANE Select); coding-DNA position 572, C replaced by G.
Protein change: p.Pro191Arg; replaces proline 191 with arginine.
Molecular consequence: missense variant.
Genome position (GRCh38, 1-based): chr9:128,946,732, G>C on the plus strand (C>G on the coding strand, the complement: DOLK is on the minus strand). VCF-style: chr9-128946732-G-C. GRCh37 (hg19) VCF-style: chr9-131709011-G-C.
Other names: short protein forms P191R.
Identifiers: ClinVar variation 1047602 (VCV001047602.9), dbSNP rs767965852, ClinGen allele CA375125023.
Genomic context (GRCh38, chr9:128,946,732, plus strand): 5'-CGCTTGATGAGCTGGTTGAGGACAAAGCTAATGCCACCCAATACCAGCAGTGCCTCACCA[G>C]GGGTGAAGCAGCGGGGCAGCAGGTACAGCAGGATCATGTTGAGATAAACGAAGATCAGAA-3'
Protein context (NP_055723.1, residues 181-201): LLYLLPRCFT[Pro191Arg]GEALLVLGGI